The following is an entry in ClinVar:

ClinVar aggregate classification (germline): Uncertain significance (1 of 4 stars; one submission).

Conditions:
Brugada syndrome 8 (BRGDA8). Identifiers: Orphanet 130, MedGen C2751083, MONDO:0013148, OMIM 613123.

Submission:

Labcorp Genetics (formerly Invitae), Labcorp
Classification: Uncertain significance for Brugada syndrome 8. Last evaluated: 2022-06-13. Review status: criteria provided, single submitter. Criteria: Invitae Variant Classification Sherloc (09022015). Collection method: clinical testing. Allele origin: germline.
Comment: In summary, the available evidence is currently insufficient to determine the role of this variant in disease. Therefore, it has been classified as a Variant of Uncertain Significance. Advanced modeling of protein sequence and biophysical properties (such as structural, functional, and spatial information, amino acid conservation, physicochemical variation, residue mobility, and thermodynamic stability) performed at Invitae indicates that this missense variant is not expected to disrupt HCN4 protein function. This variant has not been reported in the literature in individuals affected with HCN4-related conditions. This variant is not present in population databases (gnomAD no frequency). This sequence change replaces glycine, which is neutral and non-polar, with alanine, which is neutral and non-polar, at codon 197 of the HCN4 protein (p.Gly197Ala).

NM_005477.3(HCN4):c.590G>C (p.Gly197Ala)

Gene: HCN4 (hyperpolarization activated cyclic nucleotide gated potassium channel 4; minus strand). Cytogenetic location: 15q24.1.
Variant type: single nucleotide variant.
Coding change: c.590G>C on transcript NM_005477.3 (MANE Select); coding-DNA position 590, G replaced by C.
Protein change: p.Gly197Ala; replaces glycine 197 with alanine.
Molecular consequence: missense variant.
Genome position (GRCh38, 1-based): chr15:73,367,681, C>G on the plus strand (G>C on the coding strand, the complement: HCN4 is on the minus strand). VCF-style: chr15-73367681-C-G. GRCh37 (hg19) VCF-style: chr15-73660022-C-G.
Other names: short protein forms G197A.
Identifiers: ClinVar variation 1413818 (VCV001413818.6), dbSNP rs2151228428, ClinGen allele CA393097547.